The following is an entry in ClinVar:

NM_000138.5(FBN1):c.5065+10A>G

Gene: FBN1 (fibrillin 1; minus strand). Cytogenetic location: 15q21.1.
Variant type: single nucleotide variant.
Coding change: c.5065+10A>G on transcript NM_000138.5 (MANE Select); 10 bases into the intron after coding-DNA position 5065, A replaced by G.
Molecular consequence: intron variant.
Genome position (GRCh38, 1-based): chr15:48,463,889, T>C on the plus strand (A>G on the coding strand, the complement: FBN1 is on the minus strand). VCF-style: chr15-48463889-T-C. GRCh37 (hg19) VCF-style: chr15-48756086-T-C.
Identifiers: ClinVar variation 178929 (VCV000178929.26), dbSNP rs375945405, ClinGen allele CA015569.

ClinVar aggregate classification (germline): Benign/Likely benign. Review status: criteria provided, multiple submitters, no conflicts (2 of 4 stars). 7 submissions from 7 submitters: Benign (3); Likely benign (4). Last evaluated 2026-07-01.

Conditions:
Marfan syndrome (MFS). Also called: MARFAN SYNDROME, TYPE I; FBN1-Related Marfan Syndrome; Marfan syndrome type 1; Marfan's syndrome; Marfan syndrome, classic. Identifiers: Orphanet 284963, Orphanet 558, MedGen C0024796, MONDO:0007947, OMIM 154700.
Familial thoracic aortic aneurysm and aortic dissection (TAAD). Also called: Thoracic aortic aneurysms and dissections. Identifiers: Orphanet 91387, MedGen C4707243, MONDO:0019625.

Allele frequency attached by ClinVar (database versions not stated): gnomAD exomes 0.00018 and 0.00051; ESP Exome Variant Server 0.00038; gnomAD 0.00048 and 0.00060; TOPMed 0.00051; ExAC 0.00083; 1000 Genomes Project 0.00200; 1000 Genomes Project 30x 0.00203.
gnomAD v4.1: 377 of 1,607,288 alleles (0.023%); highest among the groups gnomAD compares: South Asian, 0.23%; 5 homozygotes.

Submissions (7):

CeGaT Center for Human Genetics Tuebingen
Classification: Likely benign. Last evaluated: 2026-07-01. Review status: criteria provided, single submitter. Criteria: CeGaT Center For Human Genetics Tuebingen Variant Classification Criteria Version 2. Collection method: clinical testing. Allele origin: germline. Affected: yes. Observed: 1 variant allele.
Comment: FBN1: BS1

Labcorp Genetics (formerly Invitae), Labcorp
Classification: Benign for Marfan syndrome; Familial thoracic aortic aneurysm and aortic dissection. Last evaluated: 2025-12-14. Review status: criteria provided, single submitter. Criteria: Invitae Variant Classification Sherloc (09022015). Collection method: clinical testing. Allele origin: germline.

Blueprint Genetics
Classification: Likely benign. Last evaluated: 2024-11-19. Review status: criteria provided, single submitter. Criteria: ACMG Guidelines, 2015. Collection method: clinical testing. Allele origin: germline.

ARUP Laboratories, Molecular Genetics and Genomics, ARUP Laboratories
Classification: Benign. Last evaluated: 2024-03-18. Review status: criteria provided, single submitter. Criteria: ARUP Molecular Germline Variant Investigation Process 2024. Collection method: clinical testing. Allele origin: germline.

GeneDx
Classification: Benign. Last evaluated: 2016-12-06. Review status: criteria provided, single submitter. Criteria: GeneDx Variant Classification (06012015). Collection method: clinical testing. Allele origin: germline. Affected: yes.
Comment: This variant is considered likely benign or benign based on one or more of the following criteria: it is a conservative change, it occurs at a poorly conserved position in the protein, it is predicted to be benign by multiple in silico algorithms, and/or has population frequency not consistent with disease.

Laboratory for Molecular Medicine, Mass General Brigham Personalized Medicine
Classification: Likely benign. Last evaluated: 2013-04-04. Review status: criteria provided, single submitter. Criteria: LMM Criteria. Collection method: clinical testing. Allele origin: germline. Observed: 1 variant allele.
Comment: 5065+10A>G in intron 40 of FBN1: This variant is not expected to have clinical s ignificance because it is not located within the conserved splice consensus sequ ence. It has been identified in 0.1% (5/4396) of African American chromosomes fr om a broad population by the NHLBI Exome Sequencing Project.

PreventionGenetics, part of Exact Sciences
Classification: Likely benign. Review status: criteria provided, single submitter. Criteria: ACMG Guidelines, 2015. Collection method: clinical testing. Allele origin: germline.